The following is an entry in ClinVar:

NM_017636.4(TRPM4):c.1982C>G (p.Ala661Gly)

Gene: TRPM4 (transient receptor potential cation channel subfamily M member 4; plus strand). Cytogenetic location: 19q13.33.
Variant type: single nucleotide variant.
Coding change: c.1982C>G on transcript NM_017636.4 (MANE Select); coding-DNA position 1982, C replaced by G.
Protein change: p.Ala661Gly; replaces alanine 661 with glycine.
Molecular consequence: missense variant.
Genome position (GRCh38, 1-based): chr19:49,189,054, C>G. VCF-style: chr19-49189054-C-G. GRCh37 (hg19) VCF-style: chr19-49692311-C-G.
Other names: c.1982C>G, p.Ala661Gly (NM_001195227.2); c.1637C>G, p.Ala546Gly (NM_001321281.2); c.374C>G, p.Ala125Gly (NM_001321282.2); c.1460C>G, p.Ala487Gly (NM_001321283.2); c.920C>G, p.Ala307Gly (NM_001321285.2); short protein forms A307G, A487G, A661G, A546G, A125G.
Identifiers: ClinVar variation 3974284 (VCV003974284.1).

ClinVar aggregate classification (germline): Uncertain significance (1 of 4 stars; one submission).

Conditions:
Cardiovascular phenotype. Identifiers: MedGen CN230736.

Submission:

Ambry Genetics
Classification: Uncertain significance for Cardiovascular phenotype. Last evaluated: 2025-06-10. Review status: criteria provided, single submitter. Criteria: Ambry Variant Classification Scheme 2023. Collection method: clinical testing. Allele origin: germline.
Comment: The p.A661G variant (also known as c.1982C>G), located in coding exon 14 of the TRPM4 gene, results from a C to G substitution at nucleotide position 1982. The alanine at codon 661 is replaced by glycine, an amino acid with similar properties. This amino acid position is conserved. In addition, this alteration is predicted to be tolerated by in silico analysis. Based on the available evidence, the clinical significance of this variant remains unclear.